The following is an entry in ClinVar:

NM_000051.4(ATM):c.754T>A (p.Cys252Ser)

Gene: ATM (ATM serine/threonine kinase; plus strand). Cytogenetic location: 11q22.3.
Variant type: single nucleotide variant.
Coding change: c.754T>A on transcript NM_000051.4 (MANE Select); coding-DNA position 754, T replaced by A.
Protein change: p.Cys252Ser; replaces cysteine 252 with serine.
Molecular consequence: missense variant.
Genome position (GRCh38, 1-based): chr11:108,244,879, T>A. VCF-style: chr11-108244879-T-A. GRCh37 (hg19) VCF-style: chr11-108115606-T-A.
Other names: c.754T>A, p.Cys252Ser (NM_001351834.2); short protein forms C252S.
Identifiers: ClinVar variation 216231 (VCV000216231.16), dbSNP rs863224580, ClinGen allele CA338552.
Genomic context (GRCh38, chr11:108,244,879, plus strand): 5'-ATCTTAGCAGCTCTTACTATCTTCCTCAAGACTTTGGCTGTCAACTTTCGAATTCGAGTG[T>A]GTGAATTAGGAGATGAAATTCTTCCCACTTTGCTTTATATTTGGACTCAACATAGGCTTA-3'
Protein context (NP_000042.3, residues 242-262): TLAVNFRIRV[Cys252Ser]ELGDEILPTL

ClinVar aggregate classification (germline): Uncertain significance. Review status: criteria provided, multiple submitters, no conflicts (2 of 4 stars). 4 submissions from 4 submitters: Uncertain significance (4). Last evaluated 2025-11-05.

Conditions:
Hereditary cancer-predisposing syndrome. Also called: Tumor predisposition; Hereditary Cancer Syndrome; Neoplastic Syndromes, Hereditary; Hereditary neoplastic syndrome. Identifiers: Orphanet 140162, MedGen C0027672, MeSH D009386, MONDO:0015356.
Ataxia-telangiectasia syndrome (AT). Also called: Cerebello-oculocutaneous telangiectasia; Immunodeficiency with ataxia telangiectasia; Ataxia telangiectasia (A-T); LOUIS-BAR SYNDROME; ATAXIA-TELANGIECTASIA, COMPLEMENTATION GROUP A; ATAXIA-TELANGIECTASIA, FRESNO VARIANT. Identifiers: Orphanet 100, MedGen C0004135, MONDO:0008840, OMIM 208900.

Allele frequency attached by ClinVar (database versions not stated): TOPMed below 0.00001; gnomAD 0.00001.
gnomAD v4.1: 1 of 1,613,780 alleles (0.000062%); highest among the groups gnomAD compares: African/African-American, 0.0013%; no homozygotes.

Submissions (4):

Ambry Genetics
Classification: Uncertain significance for Hereditary cancer-predisposing syndrome. Last evaluated: 2025-11-05. Review status: criteria provided, single submitter. Criteria: Ambry Variant Classification Scheme 2023. Collection method: clinical testing. Allele origin: germline.
Comment: The p.C252S variant (also known as c.754T>A), located in coding exon 6 of the ATM gene, results from a T to A substitution at nucleotide position 754. The cysteine at codon 252 is replaced by serine, an amino acid with dissimilar properties. In an assay testing ATM function, this variant showed a functionally normal result (Lee KS et al. Cell, 2025 Sep;188:5081-5099.e27). This amino acid position is highly conserved in available vertebrate species. In addition, the in silico prediction for this alteration is inconclusive. Based on the available evidence, the clinical significance of this variant remains unclear.

Labcorp Genetics (formerly Invitae), Labcorp
Classification: Uncertain significance for Ataxia-telangiectasia syndrome. Last evaluated: 2025-08-19. Review status: criteria provided, single submitter. Criteria: Invitae Variant Classification Sherloc (09022015). Collection method: clinical testing. Allele origin: germline.
Comment: This sequence change replaces cysteine, which is neutral and slightly polar, with serine, which is neutral and polar, at codon 252 of the ATM protein (p.Cys252Ser). This variant is not present in population databases (gnomAD no frequency). This variant has not been reported in the literature in individuals affected with ATM-related conditions. ClinVar contains an entry for this variant (Variation ID: 216231). Invitae Evidence Modeling of protein sequence and biophysical properties (such as structural, functional, and spatial information, amino acid conservation, physicochemical variation, residue mobility, and thermodynamic stability) indicates that this missense variant is not expected to disrupt ATM protein function with a negative predictive value of 95%. RNA analysis performed to evaluate the impact of this missense change on mRNA splicing indicates it does not significantly alter splicing (internal data). In summary, the available evidence is currently insufficient to determine the role of this variant in disease. Therefore, it has been classified as a Variant of Uncertain Significance.

Women's Health and Genetics/Laboratory Corporation of America, LabCorp
Classification: Uncertain significance. Last evaluated: 2025-03-24. Review status: criteria provided, single submitter. Criteria: LabCorp Variant Classification Summary - May 2015. Collection method: clinical testing. Allele origin: germline.
Comment: Variant summary: ATM c.754T>A (p.Cys252Ser) results in a non-conservative amino acid change in the encoded protein sequence. Three of five in-silico tools predict a benign effect of the variant on protein function. The variant was absent in 251066 control chromosomes. The available data on variant occurrences in the general population are insufficient to allow any conclusion about variant significance. To our knowledge, no occurrence of c.754T>A in individuals affected with Prostate Cancer and no experimental evidence demonstrating its impact on protein function have been reported. ClinVar contains an entry for this variant (Variation ID: 216231). Based on the evidence outlined above, the variant was classified as uncertain significance.

Color Diagnostics, LLC DBA Color Health
Classification: Uncertain significance for Hereditary cancer-predisposing syndrome. Last evaluated: 2024-02-05. Review status: criteria provided, single submitter. Criteria: ACMG Guidelines, 2015. Collection method: clinical testing. Allele origin: germline.
Comment: This missense variant replaces cysteine with serine at codon 252 of the ATM protein. Computational prediction is inconclusive regarding the impact of this variant on protein structure and function. To our knowledge, functional studies have not been reported for this variant. This variant has not been reported in individuals affected with ATM-related disorders in the literature. This variant has not been identified in the general population by the Genome Aggregation Database (gnomAD). The available evidence is insufficient to determine the role of this variant in disease conclusively. Therefore, this variant is classified as a Variant of Uncertain Significance.

Literature cited by the submitters: PubMed 40580951 (cited by Ambry Genetics).